The following is an entry in ClinVar:

ClinVar aggregate classification (germline): Uncertain significance (1 of 4 stars; one submission).

Submission:

Labcorp Genetics (formerly Invitae), Labcorp
Classification: Uncertain significance. Last evaluated: 2024-03-13. Review status: criteria provided, single submitter. Criteria: Invitae Variant Classification Sherloc (09022015). Collection method: clinical testing. Allele origin: germline.
Comment: This sequence change replaces leucine, which is neutral and non-polar, with proline, which is neutral and non-polar, at codon 68 of the NKX2-1 protein (p.Leu68Pro). This variant is not present in population databases (gnomAD no frequency). This variant has not been reported in the literature in individuals affected with NKX2-1-related conditions. An algorithm developed to predict the effect of missense changes on protein structure and function (PolyPhen-2) suggests that this variant is likely to be tolerated. In summary, the available evidence is currently insufficient to determine the role of this variant in disease. Therefore, it has been classified as a Variant of Uncertain Significance.

NM_001079668.3(NKX2-1):c.203T>C (p.Leu68Pro)

Genes: NKX2-1 (NK2 homeobox 1; minus strand), SFTA3 (surfactant associated 3; minus strand). Cytogenetic location: 14q13.3.
Variant type: single nucleotide variant.
Coding change: c.203T>C on transcript NM_001079668.3 (MANE Select); coding-DNA position 203, T replaced by C.
Protein change: p.Leu68Pro; replaces leucine 68 with proline.
Molecular consequence: missense variant.
Genome position (GRCh38, 1-based): chr14:36,519,245, A>G on the plus strand (T>C on the coding strand, the complement: NKX2-1 is on the minus strand). VCF-style: chr14-36519245-A-G. GRCh37 (hg19) VCF-style: chr14-36988450-A-G.
Other names: c.113T>C, p.Leu38Pro (NM_003317.4); short protein forms L38P, L68P.
Identifiers: ClinVar variation 3645082 (VCV003645082.2).